The following is an entry in ClinVar:

ClinVar aggregate classification (germline): Uncertain significance (1 of 4 stars; one submission).

Conditions:
Hypertrophic cardiomyopathy. Also called: HYPERTROPHIC MYOCARDIOPATHY. Identifiers: Orphanet 217569, MedGen C0007194, MeSH D002312, MONDO:0005045, HP:0001639.

Submission:

Labcorp Genetics (formerly Invitae), Labcorp
Classification: Uncertain significance for Hypertrophic cardiomyopathy. Last evaluated: 2024-10-18. Review status: criteria provided, single submitter. Criteria: Invitae Variant Classification Sherloc (09022015). Collection method: clinical testing. Allele origin: germline.
Comment: This sequence change falls in intron 36 of the MYH7 gene. It does not directly change the encoded amino acid sequence of the MYH7 protein. It affects a nucleotide within the consensus splice site. This variant is not present in population databases (gnomAD no frequency). This variant has not been reported in the literature in individuals affected with MYH7-related conditions. ClinVar contains an entry for this variant (Variation ID: 1051155). Variants that disrupt the consensus splice site are a relatively common cause of aberrant splicing (PMID: 17576681, 9536098). Algorithms developed to predict the effect of sequence changes on RNA splicing suggest that this variant is not likely to affect RNA splicing. In summary, the available evidence is currently insufficient to determine the role of this variant in disease. Therefore, it has been classified as a Variant of Uncertain Significance.

Literature cited by the submitters: PubMed 17576681; PubMed 9536098.

NM_000257.4(MYH7):c.5283+6_5283+11del

Genes: MYH7 (myosin heavy chain 7; minus strand), LOC126861897 (BRD4-independent group 4 enhancer GRCh37_chr14:23884455-23885654; plus strand). Cytogenetic location: 14q11.2.
Variant type: Deletion.
Coding change: c.5283+6_5283+11del on transcript NM_000257.4 (MANE Select); bases 6 to 11 of the intron after coding-DNA position 5283, 6 bases deleted (TCCCCC; older notation c.5283+6_5283+11delTCCCCC).
Molecular consequence: intron variant.
Genome position (GRCh38, 1-based): chr14:23,415,370-23,415,375, GGGGGA deleted on the plus strand (TCCCCC on the coding strand, the reverse complement: MYH7 is on the minus strand). VCF-style (leftmost placement, unchanged base first): chr14-23415369-TGGGGGA-T. GRCh37 (hg19) VCF-style: chr14-23884578-TGGGGGA-T.
Identifiers: ClinVar variation 1051155 (VCV001051155.10), dbSNP rs2138639172, ClinGen allele CA2499222571.